The following is an entry in ClinVar:

ClinVar aggregate classification (germline): Uncertain significance. Review status: criteria provided, multiple submitters, no conflicts (2 of 4 stars). 3 submissions from 3 submitters: Uncertain significance (2). 1 of the submissions does not count toward it. Last evaluated 2022-12-23.

Conditions:
Hereditary cancer-predisposing syndrome. Also called: Tumor predisposition; Neoplastic Syndromes, Hereditary; Hereditary neoplastic syndrome; Hereditary Cancer Syndrome. Identifiers: Orphanet 140162, MedGen C0027672, MeSH D009386, MONDO:0015356.
Ataxia-telangiectasia syndrome (AT). Also called: Ataxia-telangiectasia, complementation group D; AT, COMPLEMENTATION GROUP C; ATAXIA-TELANGIECTASIA, COMPLEMENTATION GROUP A; ATAXIA-TELANGIECTASIA, FRESNO VARIANT; Ataxia-telangiectasia; Ataxia telangiectasia (A-T). Identifiers: Orphanet 100, MedGen C0004135, MONDO:0008840, OMIM 208900.

Submissions (3):

Ambry Genetics
Classification: Uncertain significance for Hereditary cancer-predisposing syndrome. Last evaluated: 2022-12-23. Review status: criteria provided, single submitter. Criteria: Ambry Variant Classification Scheme 2023. Collection method: clinical testing. Allele origin: germline.
Comment: The p.M2482L variant (also known as c.7444A>T), located in coding exon 49 of the ATM gene, results from an A to T substitution at nucleotide position 7444. The methionine at codon 2482 is replaced by leucine, an amino acid with highly similar properties. This amino acid position is conserved. In addition, this alteration is predicted to be tolerated by in silico analysis. Since supporting evidence is limited at this time, the clinical significance of this alteration remains unclear.

Labcorp Genetics (formerly Invitae), Labcorp
Classification: Uncertain significance for Ataxia-telangiectasia syndrome. Last evaluated: 2021-07-13. Review status: criteria provided, single submitter. Criteria: Invitae Variant Classification Sherloc (09022015). Collection method: clinical testing. Allele origin: germline.
Comment: In summary, the available evidence is currently insufficient to determine the role of this variant in disease. Therefore, it has been classified as a Variant of Uncertain Significance. Advanced modeling of protein sequence and biophysical properties (such as structural, functional, and spatial information, amino acid conservation, physicochemical variation, residue mobility, and thermodynamic stability) performed at Invitae indicates that this missense variant is not expected to disrupt ATM protein function. ClinVar contains an entry for this variant (Variation ID: 991003). This variant has not been reported in the literature in individuals affected with ATM-related conditions. This variant is not present in population databases (ExAC no frequency). This sequence change replaces methionine with leucine at codon 2482 of the ATM protein (p.Met2482Leu). The methionine residue is moderately conserved and there is a small physicochemical difference between methionine and leucine.

Natera, Inc.
Classification: Uncertain significance for Ataxia-telangiectasia. Last evaluated: 2020-08-14. Review status: no assertion criteria provided. Collection method: clinical testing. Allele origin: germline. Not counted in ClinVar's aggregate classification.

NM_000051.4(ATM):c.7444A>T (p.Met2482Leu)

Genes: ATM (ATM serine/threonine kinase; plus strand), C11orf65 (chromosome 11 open reading frame 65; minus strand). Cytogenetic location: 11q22.3.
Variant type: single nucleotide variant.
Coding change: c.7444A>T on transcript NM_000051.4 (MANE Select); coding-DNA position 7444, A replaced by T.
Protein change: p.Met2482Leu; replaces methionine 2482 with leucine.
Molecular consequence: missense variant. On other transcripts: intron variant (2).
Genome position (GRCh38, 1-based): chr11:108,330,350, A>T. VCF-style: chr11-108330350-A-T. GRCh37 (hg19) VCF-style: chr11-108201077-A-T.
Other names: c.7444A>T, p.Met2482Leu (NM_001351834.2); c.641-21279T>A (NM_001330368.2); c.*38+4870T>A (NM_001351110.2); short protein forms M2482L.
Identifiers: ClinVar variation 991003 (VCV000991003.12), dbSNP rs951373716, ClinGen allele CA382560314.